The following is an entry in ClinVar:

ClinVar aggregate classification (germline): Uncertain significance. Review status: criteria provided, single submitter (1 of 4 stars). 2 submissions from 2 submitters: Uncertain significance (1). 1 of the submissions does not count toward it. Last evaluated 2022-05-01.

Conditions:
Hereditary insensitivity to pain with anhidrosis (CIPA). Also called: INSENSITIVITY TO PAIN, CONGENITAL, WITH ANHIDROSIS; NTRK1 Congenital Insensitivity to Pain with Anhidrosis; HSAN Type IV; FAMILIAL DYSAUTONOMIA, TYPE II; hereditary sensory and autonomic neuropathy type 4; NEUROPATHY, CONGENITAL SENSORY, WITH ANHIDROSIS. Identifiers: Orphanet 642, MedGen C0020074, MONDO:0009746, OMIM 256800.

Allele frequency attached by ClinVar (database versions not stated): TOPMed 0.00001.

Submissions (2):

Labcorp Genetics (formerly Invitae), Labcorp
Classification: Uncertain significance for Hereditary insensitivity to pain with anhidrosis. Last evaluated: 2022-05-01. Review status: criteria provided, single submitter. Criteria: Invitae Variant Classification Sherloc (09022015). Collection method: clinical testing. Allele origin: germline.
Comment: This sequence change replaces alanine, which is neutral and non-polar, with aspartic acid, which is acidic and polar, at codon 39 of the NTRK1 protein (p.Ala39Asp). This variant is not present in population databases (gnomAD no frequency). This variant has not been reported in the literature in individuals affected with NTRK1-related conditions. ClinVar contains an entry for this variant (Variation ID: 991731). Advanced modeling of protein sequence and biophysical properties (such as structural, functional, and spatial information, amino acid conservation, physicochemical variation, residue mobility, and thermodynamic stability) performed at Invitae indicates that this missense variant is not expected to disrupt NTRK1 protein function. In summary, the available evidence is currently insufficient to determine the role of this variant in disease. Therefore, it has been classified as a Variant of Uncertain Significance.

Natera, Inc.
Classification: Uncertain significance for Hereditary insensitivity to pain with anhidrosis. Last evaluated: 2020-04-17. Review status: no assertion criteria provided. Collection method: clinical testing. Allele origin: germline. Not counted in ClinVar's aggregate classification.

NM_002529.4(NTRK1):c.116C>A (p.Ala39Asp)

Gene: NTRK1 (neurotrophic receptor tyrosine kinase 1; plus strand). Cytogenetic location: 1q23.1.
Variant type: single nucleotide variant.
Coding change: c.116C>A on transcript NM_002529.4 (MANE Select); coding-DNA position 116, C replaced by A.
Protein change: p.Ala39Asp; replaces alanine 39 with aspartic acid.
Molecular consequence: missense variant. On other transcripts: intron variant (1).
Genome position (GRCh38, 1-based): chr1:156,861,050, C>A. VCF-style: chr1-156861050-C-A. GRCh37 (hg19) VCF-style: chr1-156830842-C-A.
Other names: c.116C>A, p.Ala39Asp (NM_001012331.2); c.123-3304C>A (NM_001007792.1); short protein forms A39D.
Identifiers: ClinVar variation 991731 (VCV000991731.7), dbSNP rs1377294547, ClinGen allele CA342929569.